The following is an entry in ClinVar:

ClinVar aggregate classification (germline): Likely pathogenic (1 of 4 stars; one submission).

Submission:

GeneDx
Classification: Likely pathogenic. Last evaluated: 2025-07-31. Review status: criteria provided, single submitter. Criteria: GeneDx Variant Classification Process June 2021. Collection method: clinical testing. Allele origin: germline. Affected: yes.
Comment: Not observed at significant frequency in large population cohorts (gnomAD); In silico analysis suggests that this missense variant does not alter protein structure/function; Missense variants in this gene are a common cause of disease and they are underrepresented in the general population; Has not been previously published as pathogenic or benign to our knowledge

NM_001101.5(ACTB):c.793T>A (p.Ser265Thr)

Gene: ACTB (actin beta; minus strand). Cytogenetic location: 7p22.1.
Variant type: single nucleotide variant.
Coding change: c.793T>A on transcript NM_001101.5 (MANE Select); coding-DNA position 793, T replaced by A.
Protein change: p.Ser265Thr; replaces serine 265 with threonine.
Molecular consequence: missense variant.
Genome position (GRCh38, 1-based): chr7:5,528,290, A>T on the plus strand (T>A on the coding strand, the complement: ACTB is on the minus strand). VCF-style: chr7-5528290-A-T. GRCh37 (hg19) VCF-style: chr7-5567921-A-T.
Other names: short protein forms S265T.
Identifiers: ClinVar variation 4689977 (VCV004689977.1).